The following is an entry in ClinVar:

NM_024939.3(ESRP2):c.2071G>A (p.Ala691Thr)

Gene: ESRP2 (epithelial splicing regulatory protein 2; minus strand). Cytogenetic location: 16q22.1.
Variant type: single nucleotide variant.
Coding change: c.2071G>A on transcript NM_024939.3 (MANE Select); coding-DNA position 2071, G replaced by A.
Protein change: p.Ala691Thr; replaces alanine 691 with threonine.
Molecular consequence: missense variant. On other transcripts: synonymous variant (1).
Genome position (GRCh38, 1-based): chr16:68,230,309, C>T on the plus strand (G>A on the coding strand, the complement: ESRP2 is on the minus strand). VCF-style: chr16-68230309-C-T. GRCh37 (hg19) VCF-style: chr16-68264212-C-T.
Other names: c.2101G>A, p.Ala701Thr (NM_001365264.1); c.1905G>A, p.Pro635= (NM_001365265.1); short protein forms A691T, A701T.
Identifiers: ClinVar variation 780183 (VCV000780183.7), dbSNP rs35355998, ClinGen allele CA8125048.

ClinVar aggregate classification (germline): Benign. Review status: criteria provided, multiple submitters, no conflicts (2 of 4 stars). 3 submissions from 3 submitters: Benign (2). 1 of the submissions does not count toward it. Last evaluated 2019-12-31.

Conditions:
ESRP2-related disorder. Also called: ESRP2-related condition.

Allele frequency attached by ClinVar (database versions not stated): 1000 Genomes Project 30x 0.01718; gnomAD 0.01335 and 0.01423; TOPMed 0.01436; ESP Exome Variant Server 0.01539; 1000 Genomes Project 0.01577.

Submissions (3):

Labcorp Genetics (formerly Invitae), Labcorp
Classification: Benign. Last evaluated: 2019-12-31. Review status: criteria provided, single submitter. Criteria: Invitae Variant Classification Sherloc (09022015). Collection method: clinical testing. Allele origin: germline.

Breakthrough Genomics
Classification: Benign. Review status: criteria provided, single submitter. Criteria: ACMG Guidelines, 2015. Collection method: not provided. Allele origin: germline. Inheritance: Unknown mechanism. Affected: yes.

PreventionGenetics, part of Exact Sciences
Classification: Benign for ESRP2-related condition. Last evaluated: 2019-02-27. Review status: no assertion criteria provided. Collection method: clinical testing. Allele origin: germline. Not counted in ClinVar's aggregate classification.
Comment: This variant is classified as benign based on ACMG/AMP sequence variant interpretation guidelines (Richards et al. 2015 PMID: 25741868, with internal and published modifications).